The following is an entry in ClinVar:

ClinVar aggregate classification (germline): Uncertain significance (1 of 4 stars; one submission).

Allele frequency attached by ClinVar (database versions not stated): gnomAD exomes below 0.00001; ExAC 0.00001.
gnomAD v4.1: 1 of 1,613,220 alleles (0.000062%); highest among the groups gnomAD compares: East Asian, 0.0022%; no homozygotes.

Submission:

GeneDx
Classification: Uncertain significance. Last evaluated: 2019-09-04. Review status: criteria provided, single submitter. Criteria: GeneDx Variant Classification Process June 2021. Collection method: clinical testing. Allele origin: germline. Affected: yes.
Comment: Not observed at a significant frequency in large population cohorts (Lek 2016); In silico analysis, which includes protein predictors and evolutionary conservation, supports that this variant does not alter protein structure/function; Has not been previously published as pathogenic or benign to our knowledge

NM_058216.3(RAD51C):c.944T>G (p.Phe315Cys)

Gene: RAD51C (RAD51 paralog C; plus strand). Cytogenetic location: 17q22.
Variant type: single nucleotide variant.
Coding change: c.944T>G on transcript NM_058216.3 (MANE Select); coding-DNA position 944, T replaced by G.
Protein change: p.Phe315Cys; replaces phenylalanine 315 with cysteine.
Molecular consequence: missense variant. On other transcripts: non-coding transcript variant (1).
Genome position (GRCh38, 1-based): chr17:58,724,079, T>G. VCF-style: chr17-58724079-T-G. GRCh37 (hg19) VCF-style: chr17-56801440-T-G.
Other names: short protein forms F315C.
Identifiers: ClinVar variation 1312079 (VCV001312079.2), dbSNP rs747637997, ClinGen allele CA8677364.